The following is an entry in ClinVar:

ClinVar aggregate classification (germline): Pathogenic (1 of 4 stars; one submission).

Conditions:
Deficiency of malonyl-CoA decarboxylase. Also called: Malonic aciduria; MCD deficiency. Identifiers: Orphanet 943, MedGen C0342793, MONDO:0009556, OMIM 248360.

Submission:

Labcorp Genetics (formerly Invitae), Labcorp
Classification: Pathogenic for Deficiency of malonyl-CoA decarboxylase. Last evaluated: 2019-04-15. Review status: criteria provided, single submitter. Criteria: Invitae Variant Classification Sherloc (09022015). Collection method: clinical testing. Allele origin: germline.
Comment: A gross deletion of the genomic region encompassing the full coding sequence of the MLYCD gene has been identified. The boundaries of this event are unknown as the deletion extends beyond the assayed region for this gene and therefore may encompass additional genes. This variant has been reported in an individual affected with malonyl-coenzyme A decarboxylase deficiency (PMID: 17186413). Loss-of-function variants in MLYCD are known to be pathogenic (PMID: 12955715, 17186413). For these reasons, this variant has been classified as Pathogenic.

Literature cited by the submitters: PubMed 17186413.

NC_000016.10:g.(?_83899125)_(83915509_?)del

Genes: MLYCD (malonyl-CoA decarboxylase; plus strand), LOC126862422 (CDK7 strongly-dependent group 2 enhancer GRCh37_chr16:83945234-83946433; plus strand), LOC130059555 (ATAC-STARR-seq lymphoblastoid silent region 7770; plus strand), LOC130059554 (ATAC-STARR-seq lymphoblastoid silent region 7769; plus strand). Cytogenetic location: 16q23.3.
Variant type: Deletion.
Identifiers: ClinVar variation 584161 (VCV000584161.2).